The following is an entry in ClinVar:

ClinVar aggregate classification (germline): Uncertain significance (1 of 4 stars; one submission).

Submission:

Labcorp Genetics (formerly Invitae), Labcorp
Classification: Uncertain significance. Last evaluated: 2022-07-05. Review status: criteria provided, single submitter. Criteria: Invitae Variant Classification Sherloc (09022015). Collection method: clinical testing. Allele origin: germline.
Comment: This sequence change replaces proline, which is neutral and non-polar, with arginine, which is basic and polar, at codon 320 of the TSEN54 protein (p.Pro320Arg). This variant is present in population databases (no rsID available, gnomAD 0.007%). This variant has not been reported in the literature in individuals affected with TSEN54-related conditions. ClinVar contains an entry for this variant (Variation ID: 1358197). Algorithms developed to predict the effect of missense changes on protein structure and function are either unavailable or do not agree on the potential impact of this missense change (SIFT: "Tolerated"; PolyPhen-2: "Probably Damaging"; Align-GVGD: "Class C0"). In summary, the available evidence is currently insufficient to determine the role of this variant in disease. Therefore, it has been classified as a Variant of Uncertain Significance.

NM_207346.3(TSEN54):c.959C>G (p.Pro320Arg)

Gene: TSEN54 (tRNA splicing endonuclease subunit 54; plus strand). Cytogenetic location: 17q25.1.
Variant type: single nucleotide variant.
Coding change: c.959C>G on transcript NM_207346.3 (MANE Select); coding-DNA position 959, C replaced by G.
Protein change: p.Pro320Arg; replaces proline 320 with arginine.
Molecular consequence: missense variant.
Genome position (GRCh38, 1-based): chr17:75,522,040, C>G. VCF-style: chr17-75522040-C-G. GRCh37 (hg19) VCF-style: chr17-73518121-C-G.
Other names: short protein forms P320R.
Identifiers: ClinVar variation 1358197 (VCV001358197.3), dbSNP rs189860274, ClinGen allele CA401029542.